The following is an entry in ClinVar:

ClinVar aggregate classification (germline): Uncertain significance (1 of 4 stars; one submission).

Conditions:
Hereditary cancer-predisposing syndrome. Also called: Neoplastic Syndromes, Hereditary; Tumor predisposition; Hereditary Cancer Syndrome; Hereditary neoplastic syndrome. Identifiers: Orphanet 140162, MedGen C0027672, MeSH D009386, MONDO:0015356.

Submission:

Ambry Genetics
Classification: Uncertain significance for Hereditary cancer-predisposing syndrome. Last evaluated: 2023-08-07. Review status: criteria provided, single submitter. Criteria: Ambry Variant Classification Scheme 2023. Collection method: clinical testing. Allele origin: germline.
Comment: The c.1843_1848delTCTAGA variant (also known as p.S615_R616del) is located in coding exon 15 of the MRE11A gene. This variant results from an in-frame TCTAGA deletion at nucleotide positions 1843 to 1848. This results in the in-frame deletion of 2 residues (SR) at codons 615 to 616. This amino acid region is well conserved in available vertebrate species. In addition, this alteration is predicted to be neutral by in silico analysis (Choi Y et al. PLoS ONE. 2012; 7(10):e46688). Since supporting evidence is limited at this time, the clinical significance of this alteration remains unclear.

NM_005591.4(MRE11):c.1843_1848del (p.Ser615_Arg616del)

Gene: MRE11 (MRE11 double strand break repair nuclease; minus strand). Cytogenetic location: 11q21.
Variant type: Deletion.
Coding change: c.1843_1848del on transcript NM_005591.4 (MANE Select); coding-DNA positions 1843 to 1848, 6 bases deleted (TCTAGA; older notation c.1843_1848delTCTAGA).
Protein change: p.Ser615_Arg616del.
Molecular consequence: inframe deletion. On other transcripts: intron variant (1).
Genome position (GRCh38, 1-based): chr11:94,445,829-94,445,834, TCTAGA deleted on the plus strand (TCTAGA on the coding strand, the reverse complement: MRE11 is on the minus strand); deleting any 6 consecutive bases within chr11:94,445,829-94,445,835 gives the same sequence; the c. name uses the placement nearest the transcript's 3' end. VCF-style (leftmost placement, unchanged base first): chr11-94445828-TTCTAGA-T. GRCh37 (hg19) VCF-style: chr11-94178994-TTCTAGA-T.
Other names: c.1840_1845del, p.Ser614_Arg615del (NM_001330347.2); c.1783+1385_1783+1390del (NM_005590.4); c.1843_1848delTCTAGA (NM_005591.3).
Identifiers: ClinVar variation 483626 (VCV000483626.6), dbSNP rs1555004775, ClinGen allele CA658658094.